The following is an entry in ClinVar:

ClinVar aggregate classification (germline): Uncertain significance (1 of 4 stars; one submission).

gnomAD v4.1: 1 of 1,549,122 alleles (0.000065%); highest among the groups gnomAD compares: Non-Finnish European, 0.000087%; no homozygotes.

Submission:

Labcorp Genetics (formerly Invitae), Labcorp
Classification: Uncertain significance. Last evaluated: 2024-03-22. Review status: criteria provided, single submitter. Criteria: Invitae Variant Classification Sherloc (09022015). Collection method: clinical testing. Allele origin: germline.
Comment: This sequence change replaces aspartic acid, which is acidic and polar, with glycine, which is neutral and non-polar, at codon 1194 of the ZSWIM6 protein (p.Asp1194Gly). This variant is not present in population databases (gnomAD no frequency). This variant has not been reported in the literature in individuals affected with ZSWIM6-related conditions. Advanced modeling of protein sequence and biophysical properties (such as structural, functional, and spatial information, amino acid conservation, physicochemical variation, residue mobility, and thermodynamic stability) performed at Invitae indicates that this missense variant is not expected to disrupt ZSWIM6 protein function with a negative predictive value of 80%. In summary, the available evidence is currently insufficient to determine the role of this variant in disease. Therefore, it has been classified as a Variant of Uncertain Significance.

NM_020928.2(ZSWIM6):c.3581A>G (p.Asp1194Gly)

Gene: ZSWIM6 (zinc finger SWIM-type containing 6; plus strand). Cytogenetic location: 5q12.1.
Variant type: single nucleotide variant.
Coding change: c.3581A>G on transcript NM_020928.2 (MANE Select); coding-DNA position 3581, A replaced by G.
Protein change: p.Asp1194Gly; replaces aspartic acid 1194 with glycine.
Molecular consequence: missense variant.
Genome position (GRCh38, 1-based): chr5:61,544,250, A>G. VCF-style: chr5-61544250-A-G. GRCh37 (hg19) VCF-style: chr5-60840077-A-G.
Other names: short protein forms D1194G.
Identifiers: ClinVar variation 3688336 (VCV003688336.2).
Genomic context (GRCh38, chr5:61,544,250, plus strand): 5'-AAGCCCGAGAGACCTTCTTAATGGCGCATGATGGACACATTCAGTTTACACAGTTTATTG[A>G]CAACCTGAAACAAATCTACAAAGGCAAAAAGAAACTGATGATGTTGGTTCGGGAGAGGTT-3'
Protein context (NP_065979.1, residues 1184-1204): DGHIQFTQFI[Asp1194Gly]NLKQIYKGKK